The following is an entry in ClinVar:

NM_014714.4(IFT140):c.3874G>A (p.Val1292Met)

Gene: IFT140 (intraflagellar transport 140; minus strand). Cytogenetic location: 16p13.3.
Variant type: single nucleotide variant.
Coding change: c.3874G>A on transcript NM_014714.4 (MANE Select); coding-DNA position 3874, G replaced by A.
Protein change: p.Val1292Met; replaces valine 1292 with methionine.
Molecular consequence: missense variant.
Genome position (GRCh38, 1-based): chr16:1,520,047, C>T on the plus strand (G>A on the coding strand, the complement: IFT140 is on the minus strand). VCF-style: chr16-1520047-C-T. GRCh37 (hg19) VCF-style: chr16-1570048-C-T.
Other names: short protein forms V1292M.
Identifiers: ClinVar variation 1474969 (VCV001474969.6), dbSNP rs2141143375, ClinGen allele CA394224208.

ClinVar aggregate classification (germline): Uncertain significance (1 of 4 stars; one submission).

Conditions:
Saldino-Mainzer syndrome (SRTD9). Also called: Renal dysplasia, retinal pigmentary dystrophy, cerebellar ataxia and skeletal dysplasia; CONORENAL SYNDROME; SHORT-RIB THORACIC DYSPLASIA 9 WITHOUT POLYDACTYLY; short-rib thoracic dysplasia 9 with or without polydactyly. Identifiers: Orphanet 140969, MedGen C1849437, MONDO:0009964, OMIM 266920.

Allele frequency attached by ClinVar (database versions not stated): gnomAD exomes below 0.00001.
gnomAD v4.1: 2 of 1,604,626 alleles (0.00012%); highest among the groups gnomAD compares: Middle Eastern, 0.017%; no homozygotes.

Submission:

Labcorp Genetics (formerly Invitae), Labcorp
Classification: Uncertain significance for Saldino-Mainzer syndrome. Last evaluated: 2022-03-10. Review status: criteria provided, single submitter. Criteria: Invitae Variant Classification Sherloc (09022015). Collection method: clinical testing. Allele origin: germline.
Comment: In summary, the available evidence is currently insufficient to determine the role of this variant in disease. Therefore, it has been classified as a Variant of Uncertain Significance. Algorithms developed to predict the effect of missense changes on protein structure and function are either unavailable or do not agree on the potential impact of this missense change (SIFT: "Deleterious"; PolyPhen-2: "Probably Damaging"; Align-GVGD: "Class C0"). This variant has not been reported in the literature in individuals affected with IFT140-related conditions. This variant is not present in population databases (gnomAD no frequency). This sequence change replaces valine, which is neutral and non-polar, with methionine, which is neutral and non-polar, at codon 1292 of the IFT140 protein (p.Val1292Met).